The following is an entry in ClinVar:

ClinVar aggregate classification (germline): Pathogenic (1 of 4 stars; one submission).

Allele frequency attached by ClinVar (database versions not stated): gnomAD exomes below 0.00001; gnomAD 0.00001.
gnomAD v4.1: 3 of 1,613,846 alleles (0.00019%); highest among the groups gnomAD compares: African/African-American, 0.0013%; no homozygotes.

Submission:

Labcorp Genetics (formerly Invitae), Labcorp
Classification: Pathogenic. Last evaluated: 2023-06-25. Review status: criteria provided, single submitter. Criteria: Invitae Variant Classification Sherloc (09022015). Collection method: clinical testing. Allele origin: germline.
Comment: This sequence change creates a premature translational stop signal (p.Gln116*) in the TET2 gene. It is expected to result in an absent or disrupted protein product. Loss-of-function variants in TET2 are known to be pathogenic (PMID: 36066697). This variant is not present in population databases (gnomAD no frequency). This variant has not been reported in the literature in individuals affected with TET2-related conditions. For these reasons, this variant has been classified as Pathogenic.

Literature cited by the submitters: PubMed 36066697.

NM_001127208.3(TET2):c.346C>T (p.Gln116Ter)

Genes: TET2 (tet methylcytosine dioxygenase 2; plus strand), TET2-AS1 (TET2 antisense RNA 1; minus strand). Cytogenetic location: 4q24.
Variant type: single nucleotide variant.
Coding change: c.346C>T on transcript NM_001127208.3 (MANE Select); coding-DNA position 346, C replaced by T.
Protein change: p.Gln116Ter; replaces glutamine 116 with a stop codon.
Molecular consequence: nonsense.
Genome position (GRCh38, 1-based): chr4:105,234,288, C>T. VCF-style: chr4-105234288-C-T. GRCh37 (hg19) VCF-style: chr4-106155445-C-T.
Other names: c.346C>T, p.Gln116Ter (NM_017628.4); short protein forms Q116*.
Identifiers: ClinVar variation 2873113 (VCV002873113.3), dbSNP rs1728693166, ClinGen allele CA357791261.